The following is an entry in ClinVar:

ClinVar aggregate classification (germline): Benign. Review status: criteria provided, multiple submitters, no conflicts (2 of 4 stars). 4 submissions from 4 submitters: Benign (3). 1 of the submissions does not count toward it. Last evaluated 2026-02-02.

Conditions:
Macular corneal dystrophy (MCD). Also called: GROENOUW TYPE II CORNEAL DYSTROPHY; Macular corneal dystrophy Type I. Identifiers: Orphanet 98969, MedGen C1636149, MONDO:0009020, OMIM 217800.
CHST6-related disorder. Also called: CHST6-related condition.

Allele frequency attached by ClinVar (database versions not stated): TOPMed 0.00497; ESP Exome Variant Server 0.00523; gnomAD 0.00618 and 0.00679; 1000 Genomes Project 30x 0.00874; 1000 Genomes Project 0.00978; ExAC 0.01042.
gnomAD v4.1: 12,899 of 1,612,990 alleles (0.8%); highest among the groups gnomAD compares: South Asian, 2.5%; 121 homozygotes.

Submissions (4):

Labcorp Genetics (formerly Invitae), Labcorp
Classification: Benign for Macular corneal dystrophy. Last evaluated: 2026-02-02. Review status: criteria provided, single submitter. Criteria: Invitae Variant Classification Sherloc (09022015). Collection method: clinical testing. Allele origin: germline.

Illumina Laboratory Services, Illumina
Classification: Benign for Macular corneal dystrophy. Last evaluated: 2017-04-27. Review status: criteria provided, single submitter. Criteria: ICSL Variant Classification Criteria 13 December 2019. Collection method: clinical testing. Allele origin: germline.
Comment: This variant was observed as part of a predisposition screen in an ostensibly healthy population. A literature search was performed for the gene, cDNA change, and amino acid change (where applicable). Publications were found based on this search. The evidence from the literature, in combination with allele frequency data from public databases where available, was sufficient to rule this variant out of causing disease. Therefore, this variant is classified as benign.

Breakthrough Genomics
Classification: Benign. Review status: criteria provided, single submitter. Criteria: ACMG Guidelines, 2015. Collection method: not provided. Allele origin: germline. Inheritance: Autosomal recessive inheritance. Affected: yes.

PreventionGenetics, part of Exact Sciences
Classification: Benign for CHST6-related condition. Last evaluated: 2019-03-14. Review status: no assertion criteria provided. Collection method: clinical testing. Allele origin: germline. Not counted in ClinVar's aggregate classification.
Comment: This variant is classified as benign based on ACMG/AMP sequence variant interpretation guidelines (Richards et al. 2015 PMID: 25741868, with internal and published modifications).

Literature cited by the submitters: PubMed 16568029 (cited by Illumina Laboratory Services, Illumina).

NM_021615.5(CHST6):c.294C>G (p.Ser98=)

Gene: CHST6 (carbohydrate sulfotransferase 6; minus strand). Cytogenetic location: 16q23.1.
Variant type: single nucleotide variant.
Coding change: c.294C>G on transcript NM_021615.5 (MANE Select); coding-DNA position 294, C replaced by G.
Protein change: p.Ser98=; no amino-acid change (serine 98 retained).
Molecular consequence: synonymous variant.
Genome position (GRCh38, 1-based): chr16:75,479,535, G>C on the plus strand (C>G on the coding strand, the complement: CHST6 is on the minus strand). VCF-style: chr16-75479535-G-C. GRCh37 (hg19) VCF-style: chr16-75513433-G-C.
Identifiers: ClinVar variation 463681 (VCV000463681.18), dbSNP rs118144424, ClinGen allele CA8175534.